The following is an entry in ClinVar:

NM_007294.4(BRCA1):c.2244dup (p.Asp749fs)

Gene: BRCA1 (BRCA1 DNA repair associated; minus strand). Cytogenetic location: 17q21.31.
Variant type: Duplication.
Coding change: c.2244dup on transcript NM_007294.4 (MANE Select); coding-DNA position 2244, one base duplicated (A; older notation c.2244dupA).
Protein change: p.Asp749fs; shifts the reading frame from aspartic acid 749.
Molecular consequence: frameshift variant. On other transcripts: intron variant (137).
Genome position (GRCh38, 1-based): chr17:43,093,287, T duplicated on the plus strand (A on the coding strand, the reverse complement: BRCA1 is on the minus strand); the first of 3 consecutive T bases (chr17:43,093,287-43,093,289); duplicating any one gives the same sequence. VCF-style (leftmost placement, unchanged base first): chr17-43093286-C-CT. GRCh37 (hg19) VCF-style: chr17-41245303-C-CT.
Other names: c.2244dup (NM_007294.3); c.2031dup, p.Asp678fs (NM_001407571.1, NM_001407853.1, NM_001407894.1 and 9 more transcripts); c.2244dup, p.Asp749fs (NM_001407581.1, NM_001407582.1, NM_001407583.1 and 30 more transcripts); c.2241dup, p.Asp748fs (NM_001407587.1, NM_001407590.1, NM_001407591.1 and 22 more transcripts); c.2235dup, p.Asp746fs (NM_001407646.1, NM_001407647.1); c.2121dup, p.Asp708fs (NM_001407648.1, NM_001407664.1, NM_001407665.1 and 19 more transcripts); c.2118dup, p.Asp707fs (NM_001407649.1, NM_001407670.1, NM_001407671.1 and 11 more transcripts); c.2166dup, p.Asp723fs (NM_001407653.1, NM_001407654.1, NM_001407655.1 and 4 more transcripts); and 42 more; short protein forms D702fs, D749fs, D621fs, D637fs, D707fs, D708fs, D748fs, D622fs.
Identifiers: ClinVar variation 856461 (VCV000856461.4), dbSNP rs2053796291, ClinGen allele CA916080208.

ClinVar aggregate classification (germline): Pathogenic (1 of 4 stars; one submission).

Conditions:
Hereditary breast ovarian cancer syndrome. Also called: Breast and ovarian cancer; BRCA1- and BRCA2-Associated Hereditary Breast and Ovarian Cancer; Hereditary breast and ovarian cancer; Hereditary breast and ovarian cancer syndrome (HBOC); Hereditary breast and/or ovarian cancer syndrome; Hereditary breast and ovarian cancer syndrome. Identifiers: Orphanet 145, MedGen C0677776, MeSH D061325, MONDO:0003582. Disease mechanism: loss of function.

Submission:

Labcorp Genetics (formerly Invitae), Labcorp
Classification: Pathogenic for Hereditary breast ovarian cancer syndrome. Last evaluated: 2019-03-13. Review status: criteria provided, single submitter. Criteria: Invitae Variant Classification Sherloc (09022015). Collection method: clinical testing. Allele origin: germline.
Comment: This sequence change creates a premature translational stop signal (p.Asp749Argfs*13) in the BRCA1 gene. It is expected to result in an absent or disrupted protein product. This variant is not present in population databases (ExAC no frequency). This variant has not been reported in the literature in individuals with BRCA1-related conditions. Loss-of-function variants in BRCA1 are known to be pathogenic (PMID: 20104584). For these reasons, this variant has been classified as Pathogenic.

Literature cited by the submitters: PubMed 20104584.